The following is an entry in ClinVar:

NM_001375883.1(GPR161):c.1475G>A (p.Arg492Gln)

Gene: GPR161 (G protein-coupled receptor 161; minus strand). Cytogenetic location: 1q24.2.
Variant type: single nucleotide variant.
Coding change: c.1475G>A on transcript NM_001375883.1 (MANE Select); coding-DNA position 1475, G replaced by A.
Protein change: p.Arg492Gln; replaces arginine 492 with glutamine.
Molecular consequence: missense variant.
Genome position (GRCh38, 1-based): chr1:168,085,646, C>T on the plus strand (G>A on the coding strand, the complement: GPR161 is on the minus strand). VCF-style: chr1-168085646-C-T. GRCh37 (hg19) VCF-style: chr1-168054884-C-T.
Other names: c.1535G>A, p.Arg512Gln (NM_001267609.1); c.1475G>A, p.Arg492Gln (NM_001267610.2, NM_001349632.1, NM_001349633.1 and 5 more transcripts); c.1526G>A, p.Arg509Gln (NM_001267611.1); c.1079G>A, p.Arg360Gln (NM_001267612.2, NM_001349635.1); c.1241G>A, p.Arg414Gln (NM_001267613.1); c.1133G>A, p.Arg378Gln (NM_001267614.1); short protein forms R360Q, R378Q, R414Q, R492Q, R509Q, R512Q.
Identifiers: ClinVar variation 3617181 (VCV003617181.2).
Genomic context (GRCh38, chr1:168,085,646, plus strand): 5'-CTCTGGCTCACAAGAGTTCTGCTGCCTCGGCGGCCCCCGAAGCCGCCCCCCGGGACAGTC[C>T]GTGCTGTAACCAAGACCCCTGGCAAAGCCTCCTCCCCAAATAAGTTGATTTTGGCTTCGG-3'
Protein context (NP_001362812.1, residues 482-502): EALPGVLVTA[Arg492Gln]TVPGGGFGGR

ClinVar aggregate classification (germline): Uncertain significance (1 of 4 stars; one submission).

gnomAD v4.1: 9 of 1,614,074 alleles (0.00056%); highest among the groups gnomAD compares: Admixed American, 0.0017%; no homozygotes.

Submission:

Labcorp Genetics (formerly Invitae), Labcorp
Classification: Uncertain significance. Last evaluated: 2024-07-19. Review status: criteria provided, single submitter. Criteria: Invitae Variant Classification Sherloc (09022015). Collection method: clinical testing. Allele origin: germline.
Comment: This sequence change replaces arginine, which is basic and polar, with glutamine, which is neutral and polar, at codon 512 of the GPR161 protein (p.Arg512Gln). This variant is present in population databases (no rsID available, gnomAD 0.0009%). This variant has not been reported in the literature in individuals affected with GPR161-related conditions. An algorithm developed to predict the effect of missense changes on protein structure and function (PolyPhen-2) suggests that this variant is likely to be tolerated. In summary, the available evidence is currently insufficient to determine the role of this variant in disease. Therefore, it has been classified as a Variant of Uncertain Significance.